The following is an entry in ClinVar:

ClinVar aggregate classification (germline): Uncertain significance. Review status: criteria provided, multiple submitters, no conflicts (2 of 4 stars). 3 submissions from 3 submitters: Uncertain significance (3). Last evaluated 2026-05-21.

Conditions:
Hereditary breast ovarian cancer syndrome. Also called: Breast and ovarian cancer; Hereditary breast and ovarian cancer syndrome (HBOC); BRCA1- and BRCA2-Associated Hereditary Breast and Ovarian Cancer; Hereditary breast and ovarian cancer syndrome; Hereditary breast and ovarian cancer; Hereditary breast and/or ovarian cancer syndrome. Identifiers: Orphanet 145, MedGen C0677776, MeSH D061325, MONDO:0003582. Disease mechanism: loss of function.
Hereditary cancer-predisposing syndrome. Also called: Hereditary neoplastic syndrome; Neoplastic Syndromes, Hereditary; Tumor predisposition; Hereditary Cancer Syndrome. Identifiers: Orphanet 140162, MedGen C0027672, MeSH D009386, MONDO:0015356.

Submissions (3):

Ambry Genetics
Classification: Uncertain significance for Hereditary cancer-predisposing syndrome. Last evaluated: 2026-05-21. Review status: criteria provided, single submitter. Criteria: Ambry Variant Classification Scheme 2023. Collection method: clinical testing. Allele origin: germline.
Comment: The p.S1610F variant (also known as c.4829C>T), located in coding exon 14 of the BRCA1 gene, results from a C to T substitution at nucleotide position 4829. The serine at codon 1610 is replaced by phenylalanine, an amino acid with highly dissimilar properties. This amino acid position is well conserved in available vertebrate species. In addition, the in silico prediction for this alteration is inconclusive. Based on the available evidence, the clinical significance of this variant remains unclear.

Labcorp Genetics (formerly Invitae), Labcorp
Classification: Uncertain significance for Hereditary breast ovarian cancer syndrome. Last evaluated: 2024-01-25. Review status: criteria provided, single submitter. Criteria: Invitae Variant Classification Sherloc (09022015). Collection method: clinical testing. Allele origin: germline.
Comment: This sequence change replaces serine, which is neutral and polar, with phenylalanine, which is neutral and non-polar, at codon 1610 of the BRCA1 protein (p.Ser1610Phe). This variant is not present in population databases (gnomAD no frequency). This variant has not been reported in the literature in individuals affected with BRCA1-related conditions. Advanced modeling of protein sequence and biophysical properties (such as structural, functional, and spatial information, amino acid conservation, physicochemical variation, residue mobility, and thermodynamic stability) performed at Invitae indicates that this missense variant is not expected to disrupt BRCA1 protein function with a negative predictive value of 95%. In summary, the available evidence is currently insufficient to determine the role of this variant in disease. Therefore, it has been classified as a Variant of Uncertain Significance.

GeneDx
Classification: Uncertain significance. Last evaluated: 2024-01-22. Review status: criteria provided, single submitter. Criteria: GeneDx Variant Classification Process June 2021. Collection method: clinical testing. Allele origin: germline. Affected: yes.
Comment: Not observed at significant frequency in large population cohorts (gnomAD); In silico analysis supports that this missense variant has a deleterious effect on protein structure/function; Has not been previously published as pathogenic or benign to our knowledge; Also known as 4948C>T; This variant is associated with the following publications: (PMID: 10220405, 9974970, 11301010)

NM_007294.4(BRCA1):c.4829C>T (p.Ser1610Phe)

Gene: BRCA1 (BRCA1 DNA repair associated; minus strand). Cytogenetic location: 17q21.31.
Variant type: single nucleotide variant.
Coding change: c.4829C>T on transcript NM_007294.4 (MANE Select); coding-DNA position 4829, C replaced by T.
Protein change: p.Ser1610Phe; replaces serine 1610 with phenylalanine.
Molecular consequence: missense variant. On other transcripts: intron variant (1).
Genome position (GRCh38, 1-based): chr17:43,071,085, G>A on the plus strand (C>T on the coding strand, the complement: BRCA1 is on the minus strand). VCF-style: chr17-43071085-G-A. GRCh37 (hg19) VCF-style: chr17-41223102-G-A.
Other names: c.4619C>T, p.Ser1540Phe (NM_001407884.1, NM_001407885.1, NM_001407886.1 and 5 more transcripts); c.4616C>T, p.Ser1539Phe (NM_001407894.1, NM_001407895.1, NM_001407896.1 and 12 more transcripts); c.4613C>T, p.Ser1538Phe (NM_001407915.1, NM_001407916.1, NM_001407917.1 and 1 more transcripts); c.4706C>T, p.Ser1569Phe (NM_001407919.1, NM_001407937.1, NM_001407938.1 and 6 more transcripts); c.4565C>T, p.Ser1522Phe (NM_001407920.1, NM_001407921.1, NM_001407922.1 and 4 more transcripts); c.4562C>T, p.Ser1521Phe (NM_001407927.1, NM_001407928.1, NM_001407929.1 and 4 more transcripts); c.4559C>T, p.Ser1520Phe (NM_001407934.1, NM_001407935.1, NM_001407936.1); c.4703C>T, p.Ser1568Phe (NM_001407939.1, NM_001407940.1, NM_001407670.1 and 11 more transcripts); and 71 more; short protein forms S1482F, S1498F, S1539F, S1541F, S1562F, S1566F, S1568F, S1582F.
Identifiers: ClinVar variation 2866332 (VCV002866332.5), dbSNP rs2153835331, ClinGen allele CA10591861.